The following is an entry in ClinVar:

ClinVar aggregate classification (germline): Pathogenic/Likely pathogenic. Review status: criteria provided, multiple submitters, no conflicts (2 of 4 stars). 4 submissions from 4 submitters: Pathogenic (1); Likely pathogenic (3). Last evaluated 2025-05-26.

Conditions:
Galactosylceramide beta-galactosidase deficiency. Also called: Leukodystrophy, Globoid Cell; GALACTOCEREBROSIDASE DEFICIENCY; GALC DEFICIENCY; GLOBOID CELL LEUKOENCEPHALOPATHY; Krabbe Disease. Identifiers: Orphanet 487, MedGen C0023521, MONDO:0009499, OMIM 245200.

Submissions (4):

Mayo Clinic Laboratories, Mayo Clinic
Classification: Likely pathogenic. Last evaluated: 2025-05-26. Review status: criteria provided, single submitter. Criteria: ACMG Guidelines, 2015. Collection method: clinical testing. Allele origin: germline. Observed: 1 variant allele.
Comment: PM2_supporting, PVS1

Natera, Inc.
Classification: Likely pathogenic for Galactosylceramide beta-galactosidase deficiency. Last evaluated: 2024-07-01. Review status: criteria provided, single submitter. Criteria: Natera Variant Classification Schema (03/2026). Collection method: clinical testing. Allele origin: germline.
Comment: The c.19_20del variant in GALC is a frameshift variant predicted to shift the reading frame beginning at codon 7 and leads to a stop codon 81 codons downstream. This variant is expected to result in nonsense mediated decay, truncation, or a dysfunctional protein product. This variant is rare in the general population with a frequency below the threshold expected for the associated phenotype(s). Given the available evidence, this variant is classified as Likely Pathogenic.

Fulgent Genetics
Classification: Likely pathogenic for Galactosylceramide beta-galactosidase deficiency. Last evaluated: 2024-02-12. Review status: criteria provided, single submitter. Criteria: ACMG Guidelines, 2015. Collection method: clinical testing. Allele origin: germline.

Labcorp Genetics (formerly Invitae), Labcorp
Classification: Pathogenic for Galactosylceramide beta-galactosidase deficiency. Last evaluated: 2023-11-02. Review status: criteria provided, single submitter. Criteria: Invitae Variant Classification Sherloc (09022015). Collection method: clinical testing. Allele origin: germline.
Comment: This sequence change creates a premature translational stop signal (p.Ser7Glyfs*81) in the GALC gene. It is expected to result in an absent or disrupted protein product. Loss-of-function variants in GALC are known to be pathogenic (PMID: 7437911, 9272171, 16607461). This variant is not present in population databases (gnomAD no frequency). This variant has not been reported in the literature in individuals affected with GALC-related conditions. For these reasons, this variant has been classified as Pathogenic.

Literature cited by the submitters: PubMed 7437911 (cited by Labcorp Genetics (formerly Invitae), Labcorp); PubMed 9272171 (cited by Labcorp Genetics (formerly Invitae), Labcorp); PubMed 16607461 (cited by Labcorp Genetics (formerly Invitae), Labcorp).

NM_000153.4(GALC):c.19_20del (p.Ser7fs)

Gene: GALC (galactosylceramidase; minus strand). Cytogenetic location: 14q31.3.
Variant type: Microsatellite.
Coding change: c.19_20del on transcript NM_000153.4 (MANE Select); coding-DNA positions 19 to 20, 2 bases deleted (TC; older notation c.19_20delTC).
Protein change: p.Ser7fs; shifts the reading frame from serine 7.
Molecular consequence: frameshift variant. On other transcripts: intron variant (1).
Genome position (GRCh38, 1-based): chr14:87,993,145-87,993,146, GA deleted on the plus strand (TC on the coding strand, the reverse complement: GALC is on the minus strand); deleting any 2 consecutive bases within chr14:87,993,145-87,993,149 gives the same sequence; the c. name uses the placement nearest the transcript's 3' end. VCF-style (leftmost placement, unchanged base first): chr14-87993144-CGA-C. GRCh37 (hg19) VCF-style: chr14-88459488-CGA-C.
Other names: p.Ser7Glyfs*81; c.19_20del, p.Ser7fs (NM_001201401.2); c.117+237_117+238del (NM_001201402.2); c.19_20del (NM_000153.3); short protein forms S7fs.
Identifiers: ClinVar variation 1427043 (VCV001427043.9), dbSNP rs1887303860, ClinGen allele CA2153397774.